The following is an entry in ClinVar:

ClinVar aggregate classification (germline): Likely pathogenic (0 of 4 stars; one submission).

Conditions:
COQ2-related disorder. Also called: COQ2-related condition.

Submission:

PreventionGenetics, part of Exact Sciences
Classification: Likely pathogenic for COQ2-related condition. Last evaluated: 2024-08-03. Review status: no assertion criteria provided. Collection method: clinical testing. Allele origin: germline.
Comment: The COQ2 c.655dupC variant is predicted to result in a frameshift and premature protein termination (p.Leu219Profs*46). This variant was reported in the heterozygous state in an individual in an exome sequencing study of adult patients with chronic kidney disease (CKD) (Doreille et al. 2023. PubMed ID: 36938085, Supplementary Data). This variant has not been reported in a large population database, indicating this variant is rare. Frameshift variants in COQ2 are expected to be pathogenic. This variant is interpreted as likely pathogenic.

NM_001358921.2(COQ2):c.505dup (p.Leu169fs)

Gene: COQ2 (coenzyme Q2, polyprenyltransferase; minus strand). Cytogenetic location: 4q21.23.
Variant type: Duplication.
Coding change: c.505dup on transcript NM_001358921.2 (MANE Select); coding-DNA position 505, one base duplicated (C; older notation c.505dupC).
Protein change: p.Leu169fs; shifts the reading frame from leucine 169.
Molecular consequence: frameshift variant.
Genome position (GRCh38, 1-based): chr4:83,273,533, G duplicated on the plus strand (C on the coding strand, the reverse complement: COQ2 is on the minus strand); the first of 3 consecutive G bases (chr4:83,273,533-83,273,535); duplicating any one gives the same sequence. VCF-style (leftmost placement, unchanged base first): chr4-83273532-A-AG. GRCh37 (hg19) VCF-style: chr4-84194685-A-AG.
Other names: c.655dup, p.Leu219fs (NM_015697.9); short protein forms L169fs, L219fs.
Identifiers: ClinVar variation 3356057 (VCV003356057.1).